The following is an entry in ClinVar:

NM_001142864.4(PIEZO1):c.5035G>A (p.Val1679Met)

Gene: PIEZO1 (piezo type mechanosensitive ion channel component 1 (Er blood group); minus strand). Cytogenetic location: 16q24.3.
Variant type: single nucleotide variant.
Coding change: c.5035G>A on transcript NM_001142864.4 (MANE Select); coding-DNA position 5035, G replaced by A.
Protein change: p.Val1679Met; replaces valine 1679 with methionine.
Molecular consequence: missense variant.
Genome position (GRCh38, 1-based): chr16:88,721,987, C>T on the plus strand (G>A on the coding strand, the complement: PIEZO1 is on the minus strand). VCF-style: chr16-88721987-C-T. GRCh37 (hg19) VCF-style: chr16-88788395-C-T.
Other names: c.5035G>A (NM_001142864.3); c.3577G>A, p.Val1193Met (NM_014745.1); short protein forms V1193M, V1679M.
Identifiers: ClinVar variation 2689703 (VCV002689703.3), dbSNP rs772479622, ClinGen allele CA8231968.

ClinVar aggregate classification (germline): Uncertain significance. Review status: criteria provided, multiple submitters, no conflicts (2 of 4 stars). 2 submissions from 2 submitters: Uncertain significance (2). Last evaluated 2025-06-18.

Conditions:
PIEZO1-related disorder. Also called: PIEZO1-related condition; PIEZO1-Related Disorders.

Allele frequency attached by ClinVar (database versions not stated): ExAC 0.00013.

Submissions (2):

PreventionGenetics, part of Exact Sciences
Classification: Uncertain significance for PIEZO1-related condition. Last evaluated: 2025-06-18. Review status: criteria provided, single submitter. Criteria: ACMG Guidelines, 2015. Collection method: clinical testing. Allele origin: germline.
Comment: The PIEZO1 c.5035G>A variant is predicted to result in the amino acid substitution p.Val1679Met. This variant has been reported in cohort studies with developmental disorder or autism (Table S1, Kaplanis et al. 2020. PubMed ID: 33057194; Table S3, Zhou et al. 2022. PubMed ID: 35982159). This variant is reported in 0.019% of alleles in individuals of East Asian descent in gnomAD. At this time, the clinical significance of this variant is uncertain due to the absence of conclusive functional and genetic evidence.

Revvity Omics, Revvity
Classification: Uncertain significance. Last evaluated: 2023-06-06. Review status: criteria provided, single submitter. Criteria: ACMG Guidelines, 2015. Collection method: clinical testing. Allele origin: germline.